The following is an entry in ClinVar:

NM_001162383.2(ARHGEF2):c.581-10T>C

Gene: ARHGEF2 (Rho/Rac guanine nucleotide exchange factor 2; minus strand). Cytogenetic location: 1q22.
Variant type: single nucleotide variant.
Coding change: c.581-10T>C on transcript NM_001162383.2 (MANE Select); 10 bases into the intron before coding-DNA position 581, T replaced by C.
Molecular consequence: intron variant.
Genome position (GRCh38, 1-based): chr1:155,965,141, A>G on the plus strand (T>C on the coding strand, the complement: ARHGEF2 is on the minus strand). VCF-style: chr1-155965141-A-G. GRCh37 (hg19) VCF-style: chr1-155934932-A-G.
Other names: c.530-13T>C (NM_001350112.2); c.500-10T>C (NM_001350110.2, NM_001350111.2); c.581-13T>C (NM_001162384.2); c.500-13T>C (NM_004723.4).
Identifiers: ClinVar variation 3056607 (VCV003056607.2), dbSNP rs138026315, ClinGen allele CA1153469.
Genomic context (GRCh38, chr1:155,965,141, plus strand): 5'-CCTTCTCATCCATCTCAAAGTCACTCATCAGCTCACTGTAGATTACCTCTGCTGGACATT[A>G]GCAGGGCAAGCAACTCAGAGGTCTTGAGTTCCCTTCCCTGGGTCCCTGGCCCTTCTCTAG-3'

ClinVar aggregate classification (germline): Benign (0 of 4 stars; one submission).

Conditions:
ARHGEF2-related disorder. Also called: ARHGEF2-related condition.

Allele frequency attached by ClinVar (database versions not stated): ESP Exome Variant Server 0.00900; 1000 Genomes Project 30x 0.01093; 1000 Genomes Project 0.01118.
gnomAD v4.1: 23,687 of 1,613,816 alleles (1.5%); highest among the groups gnomAD compares: South Asian, 4%; 258 homozygotes.

Submission:

PreventionGenetics, part of Exact Sciences
Classification: Benign for ARHGEF2-related condition. Last evaluated: 2019-03-01. Review status: no assertion criteria provided. Collection method: clinical testing. Allele origin: germline.
Comment: This variant is classified as benign based on ACMG/AMP sequence variant interpretation guidelines (Richards et al. 2015 PMID: 25741868, with internal and published modifications).